The following is an entry in ClinVar:

NM_001040108.2(MLH3):c.*2174C>T

Gene: MLH3 (mutL homolog 3; minus strand). Cytogenetic location: 14q24.3.
Variant type: single nucleotide variant.
Coding change: c.*2174C>T on transcript NM_001040108.2 (MANE Select); 2174 bases downstream of the stop codon, C replaced by T.
Molecular consequence: 3 prime UTR variant.
Genome position (GRCh38, 1-based): chr14:75,014,908, G>A on the plus strand (C>T on the coding strand, the complement: MLH3 is on the minus strand). VCF-style: chr14-75014908-G-A. GRCh37 (hg19) VCF-style: chr14-75481611-G-A.
Other names: c.*2174C>T (NM_014381.3).
Identifiers: ClinVar variation 314352 (VCV000314352.5), dbSNP rs28757060, ClinGen allele CA10640968.
Genomic context (GRCh38, chr14:75,014,908, plus strand): 5'-GTGCAGTTTGAAGTCACTCAGACCTGGGTCTGAATTCTGGCTCTTACAGCTAAGCCTTCA[G>A]CAAACCAGTTAACAGCTCCGAGCTTCGAAGTTTTATTATACAAAGGTGACAACTAGGTTC-3'

ClinVar aggregate classification (germline): Likely benign (1 of 4 stars; one submission).

Conditions:
Colorectal cancer, hereditary nonpolyposis, type 7. Identifiers: Orphanet 144, MedGen C1858380, MONDO:0013725, OMIM 614385.

Allele frequency attached by ClinVar (database versions not stated): 1000 Genomes Project 0.00479; gnomAD 0.00402 and 0.00420; 1000 Genomes Project 30x 0.00547; gnomAD exomes 0.00039; TOPMed 0.00422.

Submission:

Illumina Laboratory Services, Illumina
Classification: Likely benign for Colorectal cancer, hereditary nonpolyposis, type 7. Last evaluated: 2018-01-13. Review status: criteria provided, single submitter. Criteria: ICSL Variant Classification Criteria 13 December 2019. Collection method: clinical testing. Allele origin: germline.
Comment: This variant was observed in the ICSL laboratory as part of a predisposition screen in an ostensibly healthy population. It had not been previously curated by ICSL or reported in the Human Gene Mutation Database (HGMD: prior to June 1st, 2018), and was therefore a candidate for classification through an automated scoring system. Utilizing variant allele frequency, disease prevalence and penetrance estimates, and inheritance mode, an automated score was calculated to assess if this variant is too frequent to cause the disease. Based on the score and internal cut-off values, a variant classified as likely benign is not then subjected to further curation. The score for this variant resulted in a classification of likely benign for this disease.